The following is an entry in ClinVar:

NM_022829.6(SLC13A3):c.331C>T (p.Arg111Ter)

Gene: SLC13A3 (solute carrier family 13 member 3; minus strand). Cytogenetic location: 20q13.12.
Variant type: single nucleotide variant.
Coding change: c.331C>T on transcript NM_022829.6 (MANE Select); coding-DNA position 331, C replaced by T.
Protein change: p.Arg111Ter; replaces arginine 111 with a stop codon.
Molecular consequence: nonsense.
Genome position (GRCh38, 1-based): chr20:46,613,506, G>A on the plus strand (C>T on the coding strand, the complement: SLC13A3 is on the minus strand). VCF-style: chr20-46613506-G-A. GRCh37 (hg19) VCF-style: chr20-45242145-G-A.
Other names: c.190C>T, p.Arg64Ter (NM_001011554.3, NM_001193340.2); c.331C>T, p.Arg111Ter (NM_001193339.2); c.37C>T, p.Arg13Ter (NM_001193342.2); short protein forms R13*, R111*, R64*.
Identifiers: ClinVar variation 2991859 (VCV002991859.3), dbSNP rs200572099, ClinGen allele CA9891668.

ClinVar aggregate classification (germline): Uncertain significance (1 of 4 stars; one submission).

Allele frequency attached by ClinVar (database versions not stated): gnomAD 0.00001; TOPMed 0.00001; ExAC 0.00002; gnomAD exomes 0.00002.
gnomAD v4.1: 27 of 1,611,226 alleles (0.0017%); highest among the groups gnomAD compares: Non-Finnish European, 0.0021%; no homozygotes.

Submission:

Labcorp Genetics (formerly Invitae), Labcorp
Classification: Uncertain significance. Last evaluated: 2024-03-04. Review status: criteria provided, single submitter. Criteria: Invitae Variant Classification Sherloc (09022015). Collection method: clinical testing. Allele origin: germline.
Comment: This sequence change creates a premature translational stop signal (p.Arg111*) in the SLC13A3 gene. It is expected to result in an absent or disrupted protein product. However, the current clinical and genetic evidence is not sufficient to establish whether loss-of-function variants in SLC13A3 cause disease. This variant is present in population databases (rs200572099, gnomAD 0.002%). This premature translational stop signal has been observed in individual(s) with leukoencephalopathy (PMID: 34966709). In summary, the available evidence is currently insufficient to determine the role of this variant in disease. Therefore, it has been classified as a Variant of Uncertain Significance.

Literature cited by the submitters: PubMed 34966709.